The following is an entry in ClinVar:

ClinVar aggregate classification (germline): Uncertain significance (1 of 4 stars; one submission).

gnomAD v4.1: 6 of 1,603,168 alleles (0.00037%); highest among the groups gnomAD compares: Non-Finnish European, 0.00043%; no homozygotes.

Submission:

GeneDx
Classification: Uncertain significance. Last evaluated: 2024-05-15. Review status: criteria provided, single submitter. Criteria: GeneDx Variant Classification Process June 2021. Collection method: clinical testing. Allele origin: germline. Affected: yes.
Comment: Not observed at significant frequency in large population cohorts (gnomAD); In silico analysis supports that this missense variant has a deleterious effect on protein structure/function; Has not been previously published as pathogenic or benign to our knowledge

NM_001377.3(DYNC2H1):c.8210G>A (p.Gly2737Glu)

Gene: DYNC2H1 (dynein cytoplasmic 2 heavy chain 1; plus strand). Cytogenetic location: 11q22.3.
Variant type: single nucleotide variant.
Coding change: c.8210G>A on transcript NM_001377.3 (MANE Select); coding-DNA position 8210, G replaced by A.
Protein change: p.Gly2737Glu; replaces glycine 2737 with glutamic acid.
Molecular consequence: missense variant.
Genome position (GRCh38, 1-based): chr11:103,203,675, G>A. VCF-style: chr11-103203675-G-A. GRCh37 (hg19) VCF-style: chr11-103074404-G-A.
Other names: c.8210G>A, p.Gly2737Glu (NM_001080463.2); short protein forms G2737E.
Identifiers: ClinVar variation 3381534 (VCV003381534.1).